The following is an entry in ClinVar:

NM_002693.3(POLG):c.3170T>C (p.Met1057Thr)

Gene: POLG (DNA polymerase gamma, catalytic subunit; minus strand). Cytogenetic location: 15q26.1.
Variant type: single nucleotide variant.
Coding change: c.3170T>C on transcript NM_002693.3 (MANE Select); coding-DNA position 3170, T replaced by C.
Protein change: p.Met1057Thr; replaces methionine 1057 with threonine.
Molecular consequence: missense variant.
Genome position (GRCh38, 1-based): chr15:89,319,034, A>G on the plus strand (T>C on the coding strand, the complement: POLG is on the minus strand). VCF-style: chr15-89319034-A-G. GRCh37 (hg19) VCF-style: chr15-89862265-A-G.
Other names: c.3170T>C, p.Met1057Thr (NM_001126131.2); short protein forms M1057T.
Identifiers: ClinVar variation 619335 (VCV000619335.11), dbSNP rs966144250, ClinGen allele CA10602260.

ClinVar aggregate classification (germline): Uncertain significance. Review status: criteria provided, multiple submitters, no conflicts (2 of 4 stars). 2 submissions from 2 submitters: Uncertain significance (2). Last evaluated 2023-07-25.

Conditions:
Progressive sclerosing poliodystrophy (MTDPS4A). Also called: Alpers-Huttenlocher Syndrome (AHS); Alpers Syndrome; ALPERS PROGRESSIVE INFANTILE POLIODYSTROPHY; Mitochondrial DNA depletion syndrome 4A (Alpers type); ALPERS DIFFUSE DEGENERATION OF CEREBRAL GRAY MATTER WITH HEPATIC CIRRHOSIS; Alpers-Huttenlocher Syndrome. Identifiers: Orphanet 726, MedGen C0205710, MONDO:0008758, OMIM 203700.

Allele frequency attached by ClinVar (database versions not stated): gnomAD exomes 0.00001; TOPMed 0.00001; gnomAD 0.00001.

Submissions (2):

Labcorp Genetics (formerly Invitae), Labcorp
Classification: Uncertain significance for Progressive sclerosing poliodystrophy. Last evaluated: 2023-07-25. Review status: criteria provided, single submitter. Criteria: Invitae Variant Classification Sherloc (09022015). Collection method: clinical testing. Allele origin: germline.
Comment: This sequence change replaces methionine, which is neutral and non-polar, with threonine, which is neutral and polar, at codon 1057 of the POLG protein (p.Met1057Thr). In summary, the available evidence is currently insufficient to determine the role of this variant in disease. Therefore, it has been classified as a Variant of Uncertain Significance. Advanced modeling of protein sequence and biophysical properties (such as structural, functional, and spatial information, amino acid conservation, physicochemical variation, residue mobility, and thermodynamic stability) performed at Invitae indicates that this missense variant is expected to disrupt POLG protein function. ClinVar contains an entry for this variant (Variation ID: 619335). This missense change has been observed in individual(s) with autosomal recessive progressive external ophthalmoplegia (PMID: 27538604). This variant is not present in population databases (gnomAD no frequency).

Wong Mito Lab, Molecular and Human Genetics, Baylor College of Medicine
Classification: Uncertain significance for Progressive sclerosing poliodystrophy. Last evaluated: 2018-10-01. Review status: criteria provided, single submitter. Criteria: ACMG Guidelines, 2015. Collection method: clinical testing. Allele origin: germline.
Comment: The NM_002693.2:c.3170T>C (NP_002684.1:p.Met1057Thr) [GRCH38: NC_000015.10:g.89319034A>G] variant in POLG gene is interpretated to be a Uncertain Significance based on ACMG guidelines (PMID: 25741868). This variant meets the following evidence codes reported in the ACMG-guideline. PP3:Computational evidence/predictors indicate the variant has deleterious effect on POLG structure, function, or protein-protein interaction. PM2:This variant is absent in key population databases. Based on the evidence criteria codes applied, the variant is suggested to be Uncertain Significance.

Literature cited by the submitters: PubMed 27538604 (cited by Labcorp Genetics (formerly Invitae), Labcorp).